The following is an entry in ClinVar:

NM_000540.3(RYR1):c.12536G>A (p.Arg4179His)

Gene: RYR1 (ryanodine receptor 1; plus strand). Cytogenetic location: 19q13.2.
Variant type: single nucleotide variant.
Coding change: c.12536G>A on transcript NM_000540.3 (MANE Select); coding-DNA position 12536, G replaced by A.
Protein change: p.Arg4179His; replaces arginine 4179 with histidine.
Molecular consequence: missense variant.
Genome position (GRCh38, 1-based): chr19:38,561,366, G>A. VCF-style: chr19-38561366-G-A. GRCh37 (hg19) VCF-style: chr19-39052006-G-A.
Other names: c.12521G>A, p.Arg4174His (NM_001042723.2); short protein forms R4174H, R4179H.
Identifiers: ClinVar variation 3791598 (VCV003791598.2).

ClinVar aggregate classification (germline): Likely pathogenic. Review status: criteria provided, multiple submitters, no conflicts (2 of 4 stars). 2 submissions from 2 submitters: Likely pathogenic (2). Last evaluated 2026-03-24.

Conditions:
Inborn genetic diseases. Identifiers: MedGen C0950123, MeSH D030342.

gnomAD v4.1: 4 of 1,613,654 alleles (0.00025%); highest among the groups gnomAD compares: Non-Finnish European, 0.00034%; no homozygotes.

Submissions (2):

GeneDx
Classification: Likely pathogenic. Last evaluated: 2026-03-24. Review status: criteria provided, single submitter. Criteria: GeneDx Variant Classification Process June 2021. Collection method: clinical testing. Allele origin: germline.
Comment: Not observed at significant frequency in large population cohorts (gnomAD); In silico analysis supports that this missense variant has a deleterious effect on protein structure/function; This variant is associated with the following publications: (PMID: 21062345, 30232666, 35693006, 30611313, 38162159, 35081925)

Ambry Genetics
Classification: Likely pathogenic for Inborn genetic diseases. Last evaluated: 2025-03-03. Review status: criteria provided, single submitter. Criteria: Ambry Variant Classification Scheme 2023. Collection method: clinical testing. Allele origin: germline.
Comment: alThe c.12536G>A (p.R4179H) alteration is located in exon 90 (coding exon 90) of the RYR1 gene. This alteration results from a G to A substitution at nucleotide position 12536, causing the arginine (R) at amino acid position 4179 to be replaced by a histidine (H). for autosomal recessive RYR1-related myopathy; however, its clinical significance for autosomal dominant RYR1-related myopathy and autosomal dominant malignant hyperthermia susceptibility is uncertain. This variant was not reported in population-based cohorts in the Genome Aggregation Database (gnomAD). This variant has been identified in conjunction with other RYR1 variants in individuals with features consistent with autosomal recessive RYR1-related myopathy; in at least one instance, the variants were identified in trans (Zhang, 2022; Garibaldi, 2019; Zhao, 2018; Bevilacqua, 2011). This amino acid position is highly conserved in available vertebrate species. This alteration is predicted to be deleterious by in silico analysis. Based on the available evidence, this alteration is classified as likely pathogenic.

Literature cited by the submitters: PubMed 21062345 (cited by Ambry Genetics); PubMed 30232666 (cited by Ambry Genetics); PubMed 30611313 (cited by Ambry Genetics); PubMed 35081925 (cited by Ambry Genetics).